The following is an entry in ClinVar:

NM_207037.2(TCF12):c.786dup (p.Ser263fs)

Gene: TCF12 (transcription factor 12; plus strand). Cytogenetic location: 15q21.3.
Variant type: Duplication.
Coding change: c.786dup on transcript NM_207037.2 (MANE Select); coding-DNA position 786, one base duplicated (A; older notation c.786dupA).
Protein change: p.Ser263fs; shifts the reading frame from serine 263.
Molecular consequence: frameshift variant. On other transcripts: intron variant (1).
Genome position (GRCh38, 1-based): chr15:57,232,391, A duplicated; the last of 2 consecutive A bases (chr15:57,232,390-57,232,391); duplicating either gives the same sequence. VCF-style (leftmost placement, unchanged base first): chr15-57232389-C-CA. GRCh37 (hg19) VCF-style: chr15-57524587-C-CA.
Other names: c.276dup, p.Ser93fs (NM_001306219.3, NM_207040.2); c.786dup, p.Ser263fs (NM_001322151.2, NM_001322152.2, NM_001322157.3 and 7 more transcripts); c.129dup, p.Ser44fs (NM_001322154.2); c.612dup, p.Ser205fs (NM_001322156.2, NM_001322158.2); c.822dup, p.Ser275fs (NM_001322164.2); c.118-321dup (NM_001306220.3); short protein forms S44fs, S275fs, S93fs, S205fs, S263fs.
Identifiers: ClinVar variation 692240 (VCV000692240.6), dbSNP rs1597483678, ClinGen allele CA915946023.

ClinVar aggregate classification (germline): Pathogenic. Review status: criteria provided, multiple submitters, no conflicts (2 of 4 stars). 2 submissions from 2 submitters: Pathogenic (2). Last evaluated 2024-08-13.

Conditions:
TCF12-related craniosynostosis. Also called: Craniosynostosis 3. Identifiers: Orphanet 35098, Orphanet 35099, Orphanet 672979, MedGen C3715051, MONDO:0014128, OMIM 615314.

Submissions (2):

Labcorp Genetics (formerly Invitae), Labcorp
Classification: Pathogenic. Last evaluated: 2024-08-13. Review status: criteria provided, single submitter. Criteria: Invitae Variant Classification Sherloc (09022015). Collection method: clinical testing. Allele origin: germline.
Comment: This sequence change creates a premature translational stop signal (p.Ser263Ilefs*3) in the TCF12 gene. It is expected to result in an absent or disrupted protein product. Loss-of-function variants in TCF12 are known to be pathogenic (PMID: 23354436, 32620954). This variant is not present in population databases (gnomAD no frequency). This variant has not been reported in the literature in individuals affected with TCF12-related conditions. ClinVar contains an entry for this variant (Variation ID: 692240). Algorithms developed to predict the effect of sequence changes on RNA splicing suggest that this variant may disrupt the consensus splice site. For these reasons, this variant has been classified as Pathogenic.

MVZ Martinsried, Medicover Genetics
Classification: Pathogenic for TCF12-related craniosynostosis. Last evaluated: 2019-06-21. Review status: criteria provided, single submitter. Criteria: ACMG Guidelines, 2015. Collection method: clinical testing. Allele origin: unknown. Affected: yes.

Literature cited by the submitters: PubMed 23354436 (cited by Labcorp Genetics (formerly Invitae), Labcorp); PubMed 32620954 (cited by Labcorp Genetics (formerly Invitae), Labcorp).